The following is an entry in ClinVar:

NM_000535.7(PMS2):c.2378G>T (p.Ser793Ile)

Gene: PMS2 (PMS1 homolog 2, mismatch repair system component; minus strand). Cytogenetic location: 7p22.1.
Variant type: single nucleotide variant.
Coding change: c.2378G>T on transcript NM_000535.7 (MANE Select); coding-DNA position 2378, G replaced by T.
Protein change: p.Ser793Ile; replaces serine 793 with isoleucine.
Molecular consequence: missense variant. On other transcripts: non-coding transcript variant (1).
Genome position (GRCh38, 1-based): chr7:5,977,655, C>A on the plus strand (G>T on the coding strand, the complement: PMS2 is on the minus strand). VCF-style: chr7-5977655-C-A. GRCh37 (hg19) VCF-style: chr7-6017286-C-A.
Other names: c.1973G>T, p.Ser658Ile (NM_001018040.1, NM_001322003.2, NM_001322004.2 and 12 more transcripts); c.2222G>T, p.Ser741Ile (NM_001322006.2); c.2060G>T, p.Ser687Ile (NM_001322007.2, NM_001322008.2, NM_001406883.1); c.2006G>T, p.Ser669Ile (NM_001322009.2, NM_001406887.1, NM_001406888.1); c.1817G>T, p.Ser606Ile (NM_001322010.2, NM_001406906.1, NM_001406907.1); c.1445G>T, p.Ser482Ile (NM_001322011.2, NM_001322012.2); c.1805G>T, p.Ser602Ile (NM_001322013.2, NM_001406908.1, NM_001406909.1); c.2411G>T, p.Ser804Ile (NM_001322014.2); and 20 more; short protein forms S482I, S606I, S671I, S690I, S698I, S741I, S752I, S793I.
Identifiers: ClinVar variation 1790389 (VCV001790389.3), dbSNP rs1583280432, ClinGen allele CA366735764.

ClinVar aggregate classification (germline): Uncertain significance. Review status: criteria provided, multiple submitters, no conflicts (2 of 4 stars). 2 submissions from 2 submitters: Uncertain significance (2). Last evaluated 2023-11-08.

Conditions:
Hereditary cancer-predisposing syndrome. Also called: Hereditary Cancer Syndrome; Hereditary neoplastic syndrome; Tumor predisposition; Neoplastic Syndromes, Hereditary. Identifiers: Orphanet 140162, MedGen C0027672, MeSH D009386, MONDO:0015356.

Submissions (2):

Women's Health and Genetics/Laboratory Corporation of America, LabCorp
Classification: Uncertain significance. Last evaluated: 2023-11-08. Review status: criteria provided, single submitter. Criteria: LabCorp Variant Classification Summary - May 2015. Collection method: clinical testing. Allele origin: germline.
Comment: Variant summary: PMS2 c.2378G>T (p.Ser793Ile) results in a non-conservative amino acid change located in the MutL, C-terminal, dimerisation (IPR014790) of the encoded protein sequence. Three of five in-silico tools predict a damaging effect of the variant on protein function. The variant was absent in 248196 control chromosomes. The available data on variant occurrences in the general population are insufficient to allow any conclusion about variant significance. To our knowledge, no occurrence of c.2378G>T in individuals affected with Lynch Syndrome and no experimental evidence demonstrating its impact on protein function have been reported. One submitter has cited clinical-significance assessments for this variant to ClinVar after 2014 and has classified the variant as uncertain significance. Based on the evidence outlined above, the variant was classified as uncertain significance.

Ambry Genetics
Classification: Uncertain significance for Hereditary cancer-predisposing syndrome. Last evaluated: 2021-10-20. Review status: criteria provided, single submitter. Criteria: Ambry Variant Classification Scheme 2023. Collection method: clinical testing. Allele origin: germline.